The following is an entry in ClinVar:

NM_000152.5(GAA):c.1917G>A (p.Val639=)

Gene: GAA (alpha glucosidase; plus strand). Cytogenetic location: 17q25.3.
Variant type: single nucleotide variant.
Coding change: c.1917G>A on transcript NM_000152.5 (MANE Select); coding-DNA position 1917, G replaced by A.
Protein change: p.Val639=; no amino-acid change (valine 639 retained).
Molecular consequence: synonymous variant.
Genome position (GRCh38, 1-based): chr17:80,112,904, G>A. VCF-style: chr17-80112904-G-A. GRCh37 (hg19) VCF-style: chr17-78086703-G-A.
Other names: c.1917G>A, p.Val639= (NM_001079803.3, NM_001079804.3, NM_001406741.1 and 1 more transcripts).
Identifiers: ClinVar variation 4876295 (VCV004876295.1).

ClinVar aggregate classification (germline): Likely benign (1 of 4 stars; one submission).

Conditions:
Glycogen storage disease, type II (IOPD). Also called: Pompe Disease; CARDIOMEGALIA GLYCOGENICA DIFFUSA; GLYCOGENOSIS, GENERALIZED, CARDIAC FORM; GSD II; POMPE DISEASE, INFANTILE-ONSET; GLYCOGEN STORAGE DISEASE II, INFANTILE-ONSET. Identifiers: Orphanet 365, MedGen C0017921, MONDO:0009290, OMIM 232300.

Submission:

Genomenon, Inc
Classification: Likely benign for Glycogen storage disease, type II. Last evaluated: 2026-07-01. Review status: criteria provided, single submitter. Criteria: Genomenon Sequence Variant Interpretation Standards - Updated. Collection method: curation. Allele origin: germline. Affected: no.
Comment: GAA c.1917G>A is a synonymous variant that retains Valine at codon 639. This variant has been reported in the published literature (PMID:7603530). It is absent or not present at a significant frequency in gnomAD. This variant is not predicted to impact splicing. In conclusion, we classify GAA c.1917G>A (p.Val639=) as a likely benign variant.

Literature cited by the submitters: PubMed 7603530.